The following is an entry in ClinVar:

ClinVar aggregate classification (germline): Pathogenic. Review status: criteria provided, multiple submitters, no conflicts (2 of 4 stars). 4 submissions from 4 submitters: Pathogenic (4). Last evaluated 2026-08-27.

Conditions:
Hereditary cancer-predisposing syndrome. Also called: Tumor predisposition; Hereditary neoplastic syndrome; Neoplastic Syndromes, Hereditary; Hereditary Cancer Syndrome. Identifiers: Orphanet 140162, MedGen C0027672, MeSH D009386, MONDO:0015356.
DICER1-related tumor predisposition. Also called: DICER1 syndrome; DICER1-related pleuropulmonary blastoma cancer predisposition syndrome. Identifiers: Orphanet 284343, MedGen C3839822, MONDO:0100216.

Submissions (4):

Myriad Genetics, Inc.
Classification: Pathogenic for DICER1-related tumor predisposition. Last evaluated: 2026-08-27. Review status: criteria provided, single submitter. Criteria: Myriad Autosomal Dominant, Autosomal Recessive and X-Linked Classification Criteria (2023). Collection method: clinical testing. Allele origin: unknown.
Comment: This variant is considered pathogenic. This variant creates a termination codon and is predicted to result in premature protein truncation.

Ambry Genetics
Classification: Pathogenic for Hereditary cancer-predisposing syndrome. Last evaluated: 2026-01-26. Review status: criteria provided, single submitter. Criteria: Ambry Variant Classification Scheme 2023. Collection method: clinical testing. Allele origin: germline.
Comment: The p.Q1031* pathogenic mutation (also known as c.3091C>T), located in coding exon 18 of the DICER1 gene, results from a C to T substitution at nucleotide position 3091. This changes the amino acid from a glutamine to a stop codon within coding exon 18. This variant is considered to be rare based on population cohorts in the Genome Aggregation Database (gnomAD). This alteration is expected to result in loss of function by premature protein truncation or nonsense-mediated mRNA decay. As such, this alteration is interpreted as a disease-causing mutation.

Labcorp Genetics (formerly Invitae), Labcorp
Classification: Pathogenic for DICER1-related tumor predisposition. Last evaluated: 2024-06-04. Review status: criteria provided, single submitter. Criteria: Invitae Variant Classification Sherloc (09022015). Collection method: clinical testing. Allele origin: germline.
Comment: This sequence change creates a premature translational stop signal (p.Gln1031*) in the DICER1 gene. It is expected to result in an absent or disrupted protein product. Loss-of-function variants in DICER1 are known to be pathogenic (PMID: 19556464, 21266384). This variant is not present in population databases (gnomAD no frequency). This variant has not been reported in the literature in individuals affected with DICER1-related conditions. ClinVar contains an entry for this variant (Variation ID: 933108). For these reasons, this variant has been classified as Pathogenic.

Foulkes Cancer Genetics LDI, Lady Davis Institute for Medical Research
Classification: Pathogenic for Pleuropulmonary blastoma. Last evaluated: 2019-07-01. Review status: criteria provided, single submitter. Criteria: ACMG Guidelines, 2015. Collection method: curation. Allele origin: germline, unknown. Affected: yes. Observed: 2 variant alleles.
Comment: ACMG criteria met: PVS1, PM2, PP4

Literature cited by the submitters: PubMed 19556464 (cited by Labcorp Genetics (formerly Invitae), Labcorp); PubMed 21266384 (cited by Labcorp Genetics (formerly Invitae), Labcorp); PubMed 24481001 (cited by Foulkes Cancer Genetics LDI, Lady Davis Institute for Medical Research); PubMed 28177962 (cited by Foulkes Cancer Genetics LDI, Lady Davis Institute for Medical Research).

NM_177438.3(DICER1):c.3091C>T (p.Gln1031Ter)

Gene: DICER1 (dicer 1, ribonuclease III; minus strand). Cytogenetic location: 14q32.13.
Variant type: single nucleotide variant.
Coding change: c.3091C>T on transcript NM_177438.3 (MANE Select); coding-DNA position 3091, C replaced by T.
Protein change: p.Gln1031Ter; replaces glutamine 1031 with a stop codon.
Molecular consequence: nonsense.
Genome position (GRCh38, 1-based): chr14:95,105,680, G>A on the plus strand (C>T on the coding strand, the complement: DICER1 is on the minus strand). VCF-style: chr14-95105680-G-A. GRCh37 (hg19) VCF-style: chr14-95572017-G-A.
Other names: c.3091C>T, p.Gln1031Ter (NM_001195573.1, NM_001271282.3, NM_001291628.2 and 1 more transcripts); short protein forms Q1031*.
Identifiers: ClinVar variation 933108 (VCV000933108.11), dbSNP rs1891353130, ClinGen allele CA390877080.